The following is an entry in ClinVar:

NM_017934.7(PHIP):c.3538A>G (p.Ile1180Val)

Genes: IRAK1BP1 (interleukin 1 receptor associated kinase 1 binding protein 1; plus strand), PHIP (PHIP subunit of CUL4-Ring ligase complex; minus strand). Cytogenetic location: 6q14.1.
Variant type: single nucleotide variant.
Coding change: c.3538A>G on transcript NM_017934.7 (MANE Select); coding-DNA position 3538, A replaced by G.
Protein change: p.Ile1180Val; replaces isoleucine 1180 with valine.
Molecular consequence: missense variant.
Genome position (GRCh38, 1-based): chr6:78,961,808, T>C on the plus strand (A>G on the coding strand, the complement: PHIP is on the minus strand). VCF-style: chr6-78961808-T-C. GRCh37 (hg19) VCF-style: chr6-79671525-T-C.
Other names: short protein forms I1180V.
Identifiers: ClinVar variation 3356784 (VCV003356784.2).

ClinVar aggregate classification (germline): Uncertain significance. Review status: criteria provided, single submitter (1 of 4 stars). 2 submissions from 2 submitters: Uncertain significance (1). 1 of the submissions does not count toward it. Last evaluated 2025-05-26.

Conditions:
PHIP-related disorder. Also called: PHIP-related condition; PHIP-related disorders.

gnomAD v4.1: 8 of 1,603,154 alleles (0.0005%); highest among the groups gnomAD compares: African/African-American, 0.0027%; no homozygotes.

Submissions (2):

Labcorp Genetics (formerly Invitae), Labcorp
Classification: Uncertain significance. Last evaluated: 2025-05-26. Review status: criteria provided, single submitter. Criteria: Invitae Variant Classification Sherloc (09022015). Collection method: clinical testing. Allele origin: germline.
Comment: This sequence change replaces isoleucine, which is neutral and non-polar, with valine, which is neutral and non-polar, at codon 1180 of the PHIP protein (p.Ile1180Val). This variant is present in population databases (rs140101828, gnomAD 0.007%). This variant has not been reported in the literature in individuals affected with PHIP-related conditions. ClinVar contains an entry for this variant (Variation ID: 3356784). Invitae Evidence Modeling of protein sequence and biophysical properties (such as structural, functional, and spatial information, amino acid conservation, physicochemical variation, residue mobility, and thermodynamic stability) indicates that this missense variant is not expected to disrupt PHIP protein function with a negative predictive value of 95%. In summary, the available evidence is currently insufficient to determine the role of this variant in disease. Therefore, it has been classified as a Variant of Uncertain Significance.

PreventionGenetics, part of Exact Sciences
Classification: Uncertain significance for PHIP-related condition. Last evaluated: 2023-12-20. Review status: no assertion criteria provided. Collection method: clinical testing. Allele origin: germline. Not counted in ClinVar's aggregate classification.
Comment: The PHIP c.3538A>G variant is predicted to result in the amino acid substitution p.Ile1180Val. To our knowledge, this variant has not been reported in the literature. This variant is reported in 0.0063% of alleles in individuals of African descent in gnomAD. At this time, the clinical significance of this variant is uncertain due to the absence of conclusive functional and genetic evidence.